The following is an entry in ClinVar:

ClinVar aggregate classification (germline): Uncertain significance (1 of 4 stars; one submission).

gnomAD v4.1: 15 of 1,582,658 alleles (0.00095%); highest among the groups gnomAD compares: East Asian, 0.0045%; no homozygotes.

Submission:

Ambry Genetics
Classification: Uncertain significance. Last evaluated: 2026-05-06. Review status: criteria provided, single submitter. Criteria: Ambry Variant Classification Scheme 2023. Collection method: clinical testing. Allele origin: germline.
Comment: The c.1273C>T (p.R425C) alteration is located in exon 2 (coding exon 2) of the REXO1 gene. This alteration results from a C to T substitution at nucleotide position 1273, causing the arginine (R) at amino acid position 425 to be replaced by a cysteine (C). Based on data from gnomAD, the T allele has an overall frequency of <0.001% (1/211538) total alleles studied. The highest observed frequency was 0.006% (1/15632) of East Asian alleles. Based on insufficient or conflicting evidence, the clinical significance of this alteration remains unclear.

NM_020695.4(REXO1):c.1273C>T (p.Arg425Cys)

Gene: REXO1 (RNA exonuclease 1 homolog; minus strand). Cytogenetic location: 19p13.3.
Variant type: single nucleotide variant.
Coding change: c.1273C>T on transcript NM_020695.4 (MANE Select); coding-DNA position 1273, C replaced by T.
Protein change: p.Arg425Cys; replaces arginine 425 with cysteine.
Molecular consequence: missense variant.
Genome position (GRCh38, 1-based): chr19:1,827,516, G>A on the plus strand (C>T on the coding strand, the complement: REXO1 is on the minus strand). VCF-style: chr19-1827516-G-A. GRCh37 (hg19) VCF-style: chr19-1827515-G-A.
Other names: short protein forms R425C.
Identifiers: ClinVar variation 4863288 (VCV004863288.1).